The following is an entry in ClinVar:

NM_001103.4(ACTN2):c.2133G>C (p.Lys711Asn)

Gene: ACTN2 (actinin alpha 2; plus strand). Cytogenetic location: 1q43.
Variant type: single nucleotide variant.
Coding change: c.2133G>C on transcript NM_001103.4 (MANE Select); coding-DNA position 2133, G replaced by C.
Protein change: p.Lys711Asn; replaces lysine 711 with asparagine.
Molecular consequence: missense variant. On other transcripts: non-coding transcript variant (1).
Genome position (GRCh38, 1-based): chr1:236,755,177, G>C. VCF-style: chr1-236755177-G-C. GRCh37 (hg19) VCF-style: chr1-236918477-G-C.
Other names: c.2133G>C, p.Lys711Asn (NM_001278343.2); c.1509G>C, p.Lys503Asn (NM_001278344.2); c.1383G>C, p.Lys461Asn (NM_001412150.1); short protein forms K711N, K503N, K461N.
Identifiers: ClinVar variation 2947032 (VCV002947032.3), dbSNP rs1659518058, ClinGen allele CA345387741.
Genomic context (GRCh38, chr1:236,755,177, plus strand): 5'-CATCGACAAGCTGGAGGGAGACCATCAGCTCATCCAGGAGGCCCTTGTCTTTGACAACAA[G>C]CACACGAACTACACGATGGAGGTACGGCAGCCAGACAGGCGTGTGCCGCTCACTTCTCAC-3'
Protein context (NP_001094.1, residues 701-721): LIQEALVFDN[Lys711Asn]HTNYTMEHIR

ClinVar aggregate classification (germline): Uncertain significance (1 of 4 stars; one submission).

Conditions:
Primary familial hypertrophic cardiomyopathy (HCM). Identifiers: Orphanet 99739, MedGen C0949658, MeSH D024741, MONDO:0024573. Inheritance: Various modes of inheritance.
Dilated cardiomyopathy 1AA (CMD1AA). Also called: CARDIOMYOPATHY, DILATED, 1AA, WITH OR WITHOUT LEFT VENTRICULAR NONCOMPACTION; CARDIOMYOPATHY, FAMILIAL HYPERTROPHIC, 23, WITH OR WITHOUT LEFT VENTRICULAR NONCOMPACTION; Cardiomyopathy, dilated, 1AA, with or without LVNC. Identifiers: Orphanet 154, MedGen C2677338, MONDO:0012808, OMIM 612158.

Submission:

Labcorp Genetics (formerly Invitae), Labcorp
Classification: Uncertain significance for Primary familial hypertrophic cardiomyopathy; Dilated cardiomyopathy 1AA. Last evaluated: 2024-12-02. Review status: criteria provided, single submitter. Criteria: Invitae Variant Classification Sherloc (09022015). Collection method: clinical testing. Allele origin: germline.
Comment: This sequence change replaces lysine, which is basic and polar, with asparagine, which is neutral and polar, at codon 711 of the ACTN2 protein (p.Lys711Asn). This variant is not present in population databases (gnomAD no frequency). This variant has not been reported in the literature in individuals affected with ACTN2-related conditions. ClinVar contains an entry for this variant (Variation ID: 2947032). Invitae Evidence Modeling of protein sequence and biophysical properties (such as structural, functional, and spatial information, amino acid conservation, physicochemical variation, residue mobility, and thermodynamic stability) indicates that this missense variant is not expected to disrupt ACTN2 protein function with a negative predictive value of 80%. In summary, the available evidence is currently insufficient to determine the role of this variant in disease. Therefore, it has been classified as a Variant of Uncertain Significance.